The following is an entry in ClinVar:

NM_004859.4(CLTC):c.2865G>A (p.Leu955=)

Gene: CLTC (clathrin heavy chain; plus strand). Cytogenetic location: 17q23.1.
Variant type: single nucleotide variant.
Coding change: c.2865G>A on transcript NM_004859.4 (MANE Select); coding-DNA position 2865, G replaced by A.
Protein change: p.Leu955=; no amino-acid change (leucine 955 retained).
Molecular consequence: synonymous variant.
Genome position (GRCh38, 1-based): chr17:59,679,465, G>A. VCF-style: chr17-59679465-G-A. GRCh37 (hg19) VCF-style: chr17-57756826-G-A.
Other names: c.2877G>A, p.Leu959= (NM_001288653.2).
Identifiers: ClinVar variation 1669042 (VCV001669042.33), dbSNP rs368514379, ClinGen allele CA8681479.
Genomic context (GRCh38, chr17:59,679,465, plus strand): 5'-TGAGAATTCCCTCTTCAAAAGTCTTTCTCGCTACCTGGTACGTCGAAAGGATCCAGAATT[G>A]TGGGGCAGCGTGCTGCTGGAAAGCAATCCTTACAGGAGACCCCTAATTGACCAGGTAACA-3'
Protein context (NP_004850.1, residues 945-965): RYLVRRKDPE[Leu955=]WGSVLLESNP

ClinVar aggregate classification (germline): Benign/Likely benign. Review status: criteria provided, multiple submitters, no conflicts (2 of 4 stars). 3 submissions from 3 submitters: Benign (1); Likely benign (2). Last evaluated 2026-01-31.

Allele frequency attached by ClinVar (database versions not stated): ESP Exome Variant Server 0.00015; TOPMed 0.00020; gnomAD 0.00022 and 0.00024; gnomAD exomes 0.00029 and 0.00038; ExAC 0.00044.
gnomAD v4.1: 457 of 1,609,964 alleles (0.028%); highest among the groups gnomAD compares: South Asian, 0.1%; 1 homozygote.

Submissions (3):

Labcorp Genetics (formerly Invitae), Labcorp
Classification: Benign. Last evaluated: 2026-01-31. Review status: criteria provided, single submitter. Criteria: Invitae Variant Classification Sherloc (09022015). Collection method: clinical testing. Allele origin: germline.

CeGaT Center for Human Genetics Tuebingen
Classification: Likely benign. Last evaluated: 2026-01-01. Review status: criteria provided, single submitter. Criteria: CeGaT Center For Human Genetics Tuebingen Variant Classification Criteria Version 2. Collection method: clinical testing. Allele origin: germline. Affected: yes. Observed: 6 variant alleles.
Comment: CLTC: BP4, BP7, BS1

Blueprint Genetics
Classification: Likely benign. Last evaluated: 2024-10-03. Review status: criteria provided, single submitter. Criteria: ACMG Guidelines, 2015. Collection method: clinical testing. Allele origin: germline.